The following is an entry in ClinVar:

NM_001367624.2(ZNF469):c.2729C>T (p.Thr910Ile)

Gene: ZNF469 (zinc finger protein 469; plus strand). Cytogenetic location: 16q24.2.
Variant type: single nucleotide variant.
Coding change: c.2729C>T on transcript NM_001367624.2 (MANE Select); coding-DNA position 2729, C replaced by T.
Protein change: p.Thr910Ile; replaces threonine 910 with isoleucine.
Molecular consequence: missense variant.
Genome position (GRCh38, 1-based): chr16:88,430,199, C>T. VCF-style: chr16-88430199-C-T. GRCh37 (hg19) VCF-style: chr16-88496607-C-T.
Other names: NM_001127464.1:c.2729C>T; short protein forms T910I.
Identifiers: ClinVar variation 1795262 (VCV001795262.10), dbSNP rs770131798, ClinGen allele CA8224797.

ClinVar aggregate classification (germline): Uncertain significance. Review status: criteria provided, multiple submitters, no conflicts (2 of 4 stars). 2 submissions from 2 submitters: Uncertain significance (2). Last evaluated 2025-05-06.

Conditions:
Cardiovascular phenotype. Identifiers: MedGen CN230736.

Allele frequency attached by ClinVar (database versions not stated): ExAC 0.00009.
gnomAD v4.1: 8 of 1,545,826 alleles (0.00052%); highest among the groups gnomAD compares: South Asian, 0.006%; no homozygotes.

Submissions (2):

Ambry Genetics
Classification: Uncertain significance for Cardiovascular phenotype. Last evaluated: 2025-05-06. Review status: criteria provided, single submitter. Criteria: Ambry Variant Classification Scheme 2023. Collection method: clinical testing. Allele origin: germline.
Comment: The p.T910I variant (also known as c.2729C>T), located in coding exon 1 of the ZNF469 gene, results from a C to T substitution at nucleotide position 2729. The threonine at codon 910 is replaced by isoleucine, an amino acid with similar properties. This amino acid position is poorly conserved in available vertebrate species, and isoleucine is the reference amino acid in other vertebrate species. In addition, this alteration is predicted to be tolerated by in silico analysis. Since supporting evidence is limited at this time, the clinical significance of this alteration remains unclear.

CeGaT Center for Human Genetics Tuebingen
Classification: Uncertain significance. Last evaluated: 2025-03-01. Review status: criteria provided, single submitter. Criteria: CeGaT Center For Human Genetics Tuebingen Variant Classification Criteria Version 2. Collection method: clinical testing. Allele origin: germline. Affected: yes. Observed: 1 variant allele.
Comment: ZNF469: PM2, BP4